The following is an entry in ClinVar:

NM_006361.6(HOXB13):c.667T>A (p.Tyr223Asn)

Gene: HOXB13 (homeobox B13; minus strand). Cytogenetic location: 17q21.32.
Variant type: single nucleotide variant.
Coding change: c.667T>A on transcript NM_006361.6 (MANE Select); coding-DNA position 667, T replaced by A.
Protein change: p.Tyr223Asn; replaces tyrosine 223 with asparagine.
Molecular consequence: missense variant.
Genome position (GRCh38, 1-based): chr17:48,726,978, A>T on the plus strand (T>A on the coding strand, the complement: HOXB13 is on the minus strand). VCF-style: chr17-48726978-A-T. GRCh37 (hg19) VCF-style: chr17-46804340-A-T.
Other names: c.667T>A (NM_006361.5); short protein forms Y223N.
Identifiers: ClinVar variation 1043514 (VCV001043514.7), dbSNP rs1365586165, ClinGen allele CA400106752.

ClinVar aggregate classification (germline): Uncertain significance. Review status: criteria provided, multiple submitters, no conflicts (2 of 4 stars). 2 submissions from 2 submitters: Uncertain significance (2). Last evaluated 2026-04-28.

Conditions:
Hereditary cancer-predisposing syndrome. Also called: Hereditary neoplastic syndrome; Neoplastic Syndromes, Hereditary; Tumor predisposition; Hereditary Cancer Syndrome. Identifiers: Orphanet 140162, MedGen C0027672, MeSH D009386, MONDO:0015356.

Allele frequency attached by ClinVar (database versions not stated): gnomAD 0.00001; gnomAD exomes below 0.00001; TOPMed below 0.00001.
gnomAD v4.1: 2 of 1,612,908 alleles (0.00012%); highest among the groups gnomAD compares: African/African-American, 0.0027%; no homozygotes.

Submissions (2):

Ambry Genetics
Classification: Uncertain significance for Hereditary cancer-predisposing syndrome. Last evaluated: 2026-04-28. Review status: criteria provided, single submitter. Criteria: Ambry Variant Classification Scheme 2023. Collection method: clinical testing. Allele origin: germline.
Comment: The p.Y223N variant (also known as c.667T>A), located in coding exon 2 of the HOXB13 gene, results from a T to A substitution at nucleotide position 667. The tyrosine at codon 223 is replaced by asparagine, an amino acid with dissimilar properties. This amino acid position is conserved. In addition, this alteration is predicted to be deleterious by in silico analysis. Based on the available evidence, the clinical significance of this variant remains unclear.

Labcorp Genetics (formerly Invitae), Labcorp
Classification: Uncertain significance. Last evaluated: 2022-07-19. Review status: criteria provided, single submitter. Criteria: Invitae Variant Classification Sherloc (09022015). Collection method: clinical testing. Allele origin: germline.
Comment: This sequence change replaces tyrosine, which is neutral and polar, with asparagine, which is neutral and polar, at codon 223 of the HOXB13 protein (p.Tyr223Asn). This variant is present in population databases (no rsID available, gnomAD 0.007%). This variant has not been reported in the literature in individuals affected with HOXB13-related conditions. ClinVar contains an entry for this variant (Variation ID: 1043514). Algorithms developed to predict the effect of missense changes on protein structure and function (SIFT, PolyPhen-2, Align-GVGD) all suggest that this variant is likely to be disruptive. In summary, the available evidence is currently insufficient to determine the role of this variant in disease. Therefore, it has been classified as a Variant of Uncertain Significance.